The following is an entry in ClinVar:

ClinVar aggregate classification (germline): Benign/Likely benign. Review status: criteria provided, multiple submitters, no conflicts (2 of 4 stars). 3 submissions from 3 submitters: Benign (1); Likely benign (2). Last evaluated 2026-07-01.

Conditions:
Hyper-IgE recurrent infection syndrome 1, autosomal dominant. Also called: STAT3 Hyper IgE Syndrome; Hyper-IgE recurrent infection syndrome 1; Job's Syndrome; HYPER-IgE SYNDROME 1, AUTOSOMAL DOMINANT, WITH RECURRENT INFECTIONS; JOB SYNDROME. Identifiers: Orphanet 2314, MedGen C2936739, MONDO:0007818, OMIM 147060.
STAT3 gain of function. Identifiers: MedGen C4288261.

Allele frequency attached by ClinVar (database versions not stated): gnomAD 0.00008 and 0.00009; TOPMed 0.00008; gnomAD exomes 0.00011 and 0.00013; ExAC 0.00014; ESP Exome Variant Server 0.00015; 1000 Genomes Project 0.00040; 1000 Genomes Project 30x 0.00062.
gnomAD v4.1: 181 of 1,614,050 alleles (0.011%); highest among the groups gnomAD compares: Middle Eastern, 0.12%; no homozygotes.

Submissions (3):

CeGaT Center for Human Genetics Tuebingen
Classification: Likely benign. Last evaluated: 2026-07-01. Review status: criteria provided, single submitter. Criteria: CeGaT Center For Human Genetics Tuebingen Variant Classification Criteria Version 2. Collection method: clinical testing. Allele origin: germline. Affected: yes. Observed: 2 variant alleles.
Comment: STAT3: BP4, BP7

Labcorp Genetics (formerly Invitae), Labcorp
Classification: Likely benign for STAT3 gain of function; Hyper-IgE recurrent infection syndrome 1, autosomal dominant. Last evaluated: 2025-12-01. Review status: criteria provided, single submitter. Criteria: Invitae Variant Classification Sherloc (09022015). Collection method: clinical testing. Allele origin: germline.

Illumina Laboratory Services, Illumina
Classification: Benign for Hyper-IgE recurrent infection syndrome 1, autosomal dominant. Last evaluated: 2018-01-12. Review status: criteria provided, single submitter. Criteria: ICSL Variant Classification Criteria 13 December 2019. Collection method: clinical testing. Allele origin: germline.
Comment: This variant was observed in the ICSL laboratory as part of a predisposition screen in an ostensibly healthy population. It had not been previously curated by ICSL or reported in the Human Gene Mutation Database (HGMD: prior to June 1st, 2018), and was therefore a candidate for classification through an automated scoring system. Utilizing variant allele frequency, disease prevalence and penetrance estimates, and inheritance mode, an automated score was calculated to assess if this variant is too frequent to cause the disease. Based on the score and internal cut-off values, a variant classified as benign is not then subjected to further curation. The score for this variant resulted in a classification of benign for this disease.

NM_139276.3(STAT3):c.405C>T (p.Ala135=)

Gene: STAT3 (signal transducer and activator of transcription 3; minus strand). Cytogenetic location: 17q21.2.
Variant type: single nucleotide variant.
Coding change: c.405C>T on transcript NM_139276.3 (MANE Select); coding-DNA position 405, C replaced by T.
Protein change: p.Ala135=; no amino-acid change (alanine 135 retained).
Molecular consequence: synonymous variant. On other transcripts: intron variant (1).
Genome position (GRCh38, 1-based): chr17:42,339,377, G>A on the plus strand (C>T on the coding strand, the complement: STAT3 is on the minus strand). VCF-style: chr17-42339377-G-A. GRCh37 (hg19) VCF-style: chr17-40491395-G-A.
Other names: c.405C>T, p.Ala135= (NM_001369512.1, NM_001369513.1, NM_001369514.1 and 15 more transcripts); c.327C>T, p.Ala109= (NM_001384985.1); c.373-565C>T (NM_001384989.1).
Identifiers: ClinVar variation 323248 (VCV000323248.38), dbSNP rs201846078, ClinGen allele CA8575642.